The following is an entry in ClinVar:

NM_012210.4(TRIM32):c.-81-98G>A

Genes: ASTN2 (astrotactin 2; minus strand), TRIM32 (tripartite motif containing 32; plus strand). Cytogenetic location: 9q33.1.
Variant type: single nucleotide variant.
Coding change: c.-81-98G>A on transcript NM_012210.4 (MANE Select); 98 bases into the intron before 81 bases upstream of the start codon, G replaced by A.
Molecular consequence: intron variant.
Genome position (GRCh38, 1-based): chr9:116,697,564, G>A. VCF-style: chr9-116697564-G-A. GRCh37 (hg19) VCF-style: chr9-119459843-G-A.
Other names: c.2653+28207C>T (NM_014010.5); c.2794+28207C>T (NM_001365069.1); c.2806+28207C>T (NM_001365068.1); c.-81-98G>A (NM_001379048.1, NM_001379049.1); c.-78-101G>A (NM_001099679.2, NM_001379050.1).
Identifiers: ClinVar variation 674433 (VCV000674433.2), dbSNP rs73515229, ClinGen allele CA198768659.

ClinVar aggregate classification (germline): Benign. Review status: criteria provided, multiple submitters, no conflicts (2 of 4 stars). 2 submissions from 2 submitters: Benign (2). Last evaluated 2018-06-16.

Allele frequency attached by ClinVar (database versions not stated): gnomAD 0.04124 and 0.04415; TOPMed 0.04667; 1000 Genomes Project 0.04673; 1000 Genomes Project 30x 0.05075.
gnomAD v4.1: 9,131 of 762,702 alleles (1.2%); highest among the groups gnomAD compares: African/African-American, 14%; 613 homozygotes.

Submissions (2):

GeneDx
Classification: Benign. Last evaluated: 2018-06-16. Review status: criteria provided, single submitter. Criteria: GeneDx Variant Classification (06012015). Collection method: clinical testing. Allele origin: germline. Affected: yes.
Comment: This variant is considered likely benign or benign based on one or more of the following criteria: it is a conservative change, it occurs at a poorly conserved position in the protein, it is predicted to be benign by multiple in silico algorithms, and/or has population frequency not consistent with disease.

Breakthrough Genomics
Classification: Benign. Review status: criteria provided, single submitter. Criteria: ACMG Guidelines, 2015. Collection method: not provided. Allele origin: germline. Inheritance: Autosomal recessive inheritance. Affected: yes.